The following is an entry in ClinVar:

NM_001605.3(AARS1):c.1493-228C>T

Gene: AARS1 (alanyl-tRNA synthetase 1; minus strand). Cytogenetic location: 16q22.1.
Variant type: single nucleotide variant.
Coding change: c.1493-228C>T on transcript NM_001605.3 (MANE Select); 228 bases into the intron before coding-DNA position 1493, C replaced by T.
Molecular consequence: intron variant.
Genome position (GRCh38, 1-based): chr16:70,262,752, G>A on the plus strand (C>T on the coding strand, the complement: AARS1 is on the minus strand). VCF-style: chr16-70262752-G-A. GRCh37 (hg19) VCF-style: chr16-70296655-G-A.
Identifiers: ClinVar variation 677698 (VCV000677698.2), dbSNP rs111435738, ClinGen allele CA14316548.

ClinVar aggregate classification (germline): Benign. Review status: criteria provided, multiple submitters, no conflicts (2 of 4 stars). 2 submissions from 2 submitters: Benign (2). Last evaluated 2018-06-16.

Allele frequency attached by ClinVar (database versions not stated): gnomAD 0.08834 and 0.09481; TOPMed 0.09785; 1000 Genomes Project 0.10284; 1000 Genomes Project 30x 0.10837.

Submissions (2):

GeneDx
Classification: Benign. Last evaluated: 2018-06-16. Review status: criteria provided, single submitter. Criteria: GeneDx Variant Classification (06012015). Collection method: clinical testing. Allele origin: germline. Affected: yes.
Comment: This variant is considered likely benign or benign based on one or more of the following criteria: it is a conservative change, it occurs at a poorly conserved position in the protein, it is predicted to be benign by multiple in silico algorithms, and/or has population frequency not consistent with disease.

Breakthrough Genomics
Classification: Benign. Review status: criteria provided, single submitter. Criteria: ACMG Guidelines, 2015. Collection method: not provided. Allele origin: germline. Inheritance: Autosomal recessive inheritance. Affected: yes.